The following is an entry in ClinVar:

NM_001018115.3(FANCD2):c.1922A>G (p.His641Arg)

Genes: FANCD2 (FA complementation group D2; plus strand), LOC107303338 (3p25 FANCD2 Alu-mediated recombination region; plus strand). Cytogenetic location: 3p25.3.
Variant type: single nucleotide variant.
Coding change: c.1922A>G on transcript NM_001018115.3 (MANE Select); coding-DNA position 1922, A replaced by G.
Protein change: p.His641Arg; replaces histidine 641 with arginine.
Molecular consequence: missense variant.
Genome position (GRCh38, 1-based): chr3:10,063,886, A>G. VCF-style: chr3-10063886-A-G. GRCh37 (hg19) VCF-style: chr3-10105570-A-G.
Other names: c.1922A>G, p.His641Arg (NM_001319984.2, NM_001374254.1, NM_033084.6); c.1811A>G, p.His604Arg (NM_001374253.1); c.1922A>G (NM_033084.4); short protein forms H604R, H641R.
Identifiers: ClinVar variation 1692037 (VCV001692037.4), dbSNP rs750353000, ClinGen allele CA2249872.

ClinVar aggregate classification (germline): Uncertain significance. Review status: criteria provided, multiple submitters, no conflicts (2 of 4 stars). 3 submissions from 3 submitters: Uncertain significance (3). Last evaluated 2023-12-23.

Conditions:
Fanconi anemia (FA). Also called: Fanconi's anemia. Identifiers: Orphanet 84, MedGen C0015625, MeSH D005199, MONDO:0019391.
Fanconi anemia complementation group D2. Also called: FANCD2-Related Fanconi Anemia; FANCONI PANCYTOPENIA, TYPE 4; FANCONI ANEMIA, COMPLEMENTATION GROUP D. Identifiers: Orphanet 84, MedGen C3160738, MONDO:0009214, OMIM 227646.

Allele frequency attached by ClinVar (database versions not stated): TOPMed below 0.00001; ExAC 0.00001.

Submissions (3):

Fulgent Genetics
Classification: Uncertain significance for Fanconi anemia complementation group D2. Last evaluated: 2023-12-23. Review status: criteria provided, single submitter. Criteria: ACMG Guidelines, 2015. Collection method: clinical testing. Allele origin: germline.

Labcorp Genetics (formerly Invitae), Labcorp
Classification: Uncertain significance for Fanconi anemia. Last evaluated: 2022-05-14. Review status: criteria provided, single submitter. Criteria: Invitae Variant Classification Sherloc (09022015). Collection method: clinical testing. Allele origin: germline.
Comment: This sequence change replaces histidine, which is basic and polar, with arginine, which is basic and polar, at codon 641 of the FANCD2 protein (p.His641Arg). This variant is present in population databases (rs750353000, gnomAD 0.0009%). This variant has not been reported in the literature in individuals affected with FANCD2-related conditions. Algorithms developed to predict the effect of missense changes on protein structure and function output the following: SIFT: "Tolerated"; PolyPhen-2: "Benign"; Align-GVGD: "Class C0". The arginine amino acid residue is found in multiple mammalian species, which suggests that this missense change does not adversely affect protein function. In summary, the available evidence is currently insufficient to determine the role of this variant in disease. Therefore, it has been classified as a Variant of Uncertain Significance.

Sema4
Classification: Uncertain significance for Fanconi anemia. Last evaluated: 2022-03-13. Review status: criteria provided, single submitter. Criteria: Sema4 Curation Guidelines. Collection method: curation. Allele origin: germline.
Comment: The FANCD2 c.1922A>G (p.H641R) variant has not been reported in the literature to our knowledge. This variant was observed in 1/113760 chromosomes in the Non-Finnish European population according to the Genome Aggregation Database (PMID: 32461654). The variant has not been reported in ClinVar. In silico tools suggest the impact of the variant on protein function is benign, though these predictions have not been confirmed by functional studies. The evidence is insufficient to meet ACMG/AMP criteria for classifying the variant as benign or pathogenic. Thus, the clinical significance of this variant is currently uncertain.